The following is an entry in ClinVar:

NC_000009.11:g.(?_80912127)_(80923519_?)del

Gene: PSAT1 (phosphoserine aminotransferase 1; plus strand). Cytogenetic location: 9q21.2.
Variant type: Deletion.
Identifiers: ClinVar variation 3245259 (VCV003245259.1).

ClinVar aggregate classification (germline): Pathogenic (1 of 4 stars; one submission).

Conditions:
Neu-Laxova syndrome 2. Identifiers: Orphanet 2671, Orphanet 583602, MedGen C4015019, MONDO:0014466, OMIM 616038.

Submission:

Labcorp Genetics (formerly Invitae), Labcorp
Classification: Pathogenic for Neu-Laxova syndrome 2. Last evaluated: 2023-05-25. Review status: criteria provided, single submitter. Criteria: Invitae Variant Classification Sherloc (09022015). Collection method: clinical testing. Allele origin: unknown.
Comment: For these reasons, this variant has been classified as Pathogenic. This variant has not been reported in the literature in individuals affected with PSAT1-related conditions. This variant is a gross deletion of the genomic region encompassing exon(s) 1-6 of the PSAT1 gene, which includes the initiator codon. This deletion extends beyond the assayed region for this gene and therefore may encompass additional genes. It is expected to result in an absent or disrupted protein product. Loss-of-function variants in PSAT1 are known to be pathogenic (PMID: 17436247, 25152457).

Literature cited by the submitters: PubMed 17436247; PubMed 25152457.